The following is an entry in ClinVar:

NM_015656.2(KIF26A):c.4841G>T (p.Ser1614Ile)

Gene: KIF26A (kinesin family member 26A; plus strand). Cytogenetic location: 14q32.33.
Variant type: single nucleotide variant.
Coding change: c.4841G>T on transcript NM_015656.2 (MANE Select); coding-DNA position 4841, G replaced by T.
Protein change: p.Ser1614Ile; replaces serine 1614 with isoleucine.
Molecular consequence: missense variant.
Genome position (GRCh38, 1-based): chr14:104,177,629, G>T. VCF-style: chr14-104177629-G-T. GRCh37 (hg19) VCF-style: chr14-104643966-G-T.
Other names: short protein forms S1614I.
Identifiers: ClinVar variation 3369025 (VCV003369025.1).

ClinVar aggregate classification (germline): Uncertain significance (1 of 4 stars; one submission).

Submission:

GeneDx
Classification: Uncertain significance. Last evaluated: 2024-02-08. Review status: criteria provided, single submitter. Criteria: GeneDx Variant Classification Process June 2021. Collection method: clinical testing. Allele origin: germline. Affected: yes.
Comment: In silico analysis supports that this missense variant has a deleterious effect on protein structure/function; Has not been previously published as pathogenic or benign to our knowledge